The following is an entry in ClinVar:

NM_000127.3(EXT1):c.1018C>T (p.Arg340Cys)

Gene: EXT1 (exostosin glycosyltransferase 1; minus strand). Cytogenetic location: 8q24.11.
Variant type: single nucleotide variant.
Coding change: c.1018C>T on transcript NM_000127.3 (MANE Select); coding-DNA position 1018, C replaced by T.
Protein change: p.Arg340Cys; replaces arginine 340 with cysteine.
Molecular consequence: missense variant.
Genome position (GRCh38, 1-based): chr8:117,837,146, G>A on the plus strand (C>T on the coding strand, the complement: EXT1 is on the minus strand). VCF-style: chr8-117837146-G-A. GRCh37 (hg19) VCF-style: chr8-118849385-G-A.
Other names: short protein forms R340C.
Identifiers: ClinVar variation 2500 (VCV000002500.21), dbSNP rs119103290, ClinGen allele CA252315.

ClinVar aggregate classification (germline): Pathogenic/Likely pathogenic. Review status: criteria provided, multiple submitters, no conflicts (2 of 4 stars). 10 submissions from 10 submitters: Pathogenic (7); Likely pathogenic (1). 2 of the submissions do not count toward it. Last evaluated 2025-05-05.

Conditions:
Exostoses, multiple, type 1 (EXT1). Also called: EXOSTOSES, MULTIPLE, TYPE I; Hereditary Multiple Osteochondromatosis, Type I. Identifiers: MedGen CN263289, MONDO:0007585, OMIM 133700.
Chondrosarcoma. Also called: Chondrosarcoma, somatic. Identifiers: Orphanet 55880, MedGen C0008479, MONDO:0008977, OMIM 215300, HP:0006765.
EXT1-related disorder. Also called: EXT1-related condition.
Inborn genetic diseases. Identifiers: MedGen C0950123, MeSH D030342.
Multiple congenital exostosis (EXT). Also called: Multiple exostoses; Multiple osteochondromas; MULTIPLE CARTILAGINOUS EXOSTOSES; Hereditary multiple osteochondromas; Hereditary multiple exostoses; Hereditary multiple exostosis. Identifiers: Orphanet 321, MedGen C0015306, MONDO:0005508, HP:0002762.

Allele frequency attached by ClinVar (database versions not stated): gnomAD exomes below 0.00001.
gnomAD v4.1: 2 of 1,613,946 alleles (0.00012%); highest among the groups gnomAD compares: Non-Finnish European, 0.000085%; no homozygotes.

Submissions (10):

Labcorp Genetics (formerly Invitae), Labcorp
Classification: Pathogenic for Multiple congenital exostosis. Last evaluated: 2025-05-05. Review status: criteria provided, single submitter. Criteria: Invitae Variant Classification Sherloc (09022015). Collection method: clinical testing. Allele origin: germline.
Comment: This sequence change replaces arginine, which is basic and polar, with cysteine, which is neutral and slightly polar, at codon 340 of the EXT1 protein (p.Arg340Cys). This variant is not present in population databases (gnomAD no frequency). This missense change has been observed in individual(s) with multiple osteochondromas/exostoses (PMID: 9326317, 11432960, 16283885, 20418910, 22258776, 25230886). In at least one individual the variant was observed to be de novo. Invitae Evidence Modeling of clinical and family history, age, sex, and reported ancestry of multiple individuals with this EXT1 variant has been performed. This variant is expected to be pathogenic with a positive predictive value of at least 99%. This is a validated machine learning model that incorporates the clinical features of 66,185 individuals referred to our laboratory for EXT1 testing. ClinVar contains an entry for this variant (Variation ID: 2500). Invitae Evidence Modeling of protein sequence and biophysical properties (such as structural, functional, and spatial information, amino acid conservation, physicochemical variation, residue mobility, and thermodynamic stability) indicates that this missense variant is expected to disrupt EXT1 protein function with a positive predictive value of 80%. Experimental studies have shown that this missense change affects EXT1 function (PMID: 9620772, 10639137, 10679296). This variant disrupts the p.Arg340 amino acid residue in EXT1. Other variant(s) that disrupt this residue have been determined to be pathogenic (PMID: 8981950, 9521425, 11391482, 18165274, 18330718, 19810120, 26239617, 26961984). This suggests that this residue is clinically significant, and that variants that disrupt this residue are likely to be disease-causing. For these reasons, this variant has been classified as Pathogenic.

Fulgent Genetics
Classification: Pathogenic for Exostoses, multiple, type 1; Chondrosarcoma. Last evaluated: 2024-02-15. Review status: criteria provided, single submitter. Criteria: ACMG Guidelines, 2015. Collection method: clinical testing. Allele origin: germline.

GeneDx
Classification: Pathogenic. Last evaluated: 2023-06-14. Review status: criteria provided, single submitter. Criteria: GeneDx Variant Classification Process June 2021. Collection method: clinical testing. Allele origin: germline. Affected: yes.
Comment: Published functional studies demonstrate an almost complete loss of glycosyltransferase activity of the EXT1/EXT2 complex involved in the polymerization of heparan sulfate (McCormick et al., 1998); Not observed at significant frequency in large population cohorts (gnomAD); In silico analysis, which includes protein predictors and evolutionary conservation, supports a deleterious effect; This variant is associated with the following publications: (PMID: 11170095, 15586175, 16088908, 10679937, 17301954, 10679296, 9326317, 10639137, 25230886, 9620772, 20418910, 11391482, 9521425, 11432960, 26239617, 19810120, 26961984, 18165274, 8981950, 30806661, 33726816)

Ambry Genetics
Classification: Pathogenic for Inborn genetic diseases. Last evaluated: 2021-09-15. Review status: criteria provided, single submitter. Criteria: Ambry Variant Classification Scheme 2023. Collection method: clinical testing. Allele origin: germline.
Comment: The c.1018C>T (p.R340C) alteration is located in exon 2 (coding exon 2) of the EXT1 gene. This alteration results from a C to T substitution at nucleotide position 1018, causing the arginine (R) at amino acid position 340 to be replaced by a cysteine (C). This variant was not reported in population-based cohorts in the Genome Aggregation Database (gnomAD). This alteration has been reported in multiple unrelated patients with multiple osteochondromas (Philippe, 1997; Francannet, 2001; Ciavarella, 2013). Other alterations affecting the same arginine at amino acid position 340 have also been reported in affected patients (Hecht, 1997; Raskind, 1998; Wuyts, 1998; Jennes, 2009). This amino acid position is highly conserved in available vertebrate species. This alteration is predicted to be deleterious by in silico analysis. Based on the available evidence, this alteration is classified as pathogenic.

Victorian Clinical Genetics Services, Murdoch Childrens Research Institute
Classification: Pathogenic for Exostoses, multiple, type 1. Last evaluated: 2020-05-21. Review status: criteria provided, single submitter. Criteria: ACMG Guidelines, 2015. Collection method: clinical testing. Allele origin: germline. Affected: yes.
Comment: A heterozygous missense variant, NM_000127.2(EXT1):c.1018C>T, has been identified in exon 2 of 11 of the EXT1 gene. The variant is predicted to result in a major amino acid change from arginine to cysteine at position 340 of the protein (NP_000118.2(EXT1):p.(Arg340Cys)). The arginine at this position has very high conservation (100 vertebrates, UCSC), and is located within the exostosin functional domain. In silico predictions for this variant are consistently pathogenic (Polyphen, SIFT, CADD, Mutation Taster). The variant is absent in population databases (gnomAD, dbSNP, 1000G). The variant has been previously described as pathogenic and reported in multiple patients with exostoses (ClinVar; Philippe. C. et al., 1997; Fusco, C. et al., 2019; Jennes, I. et al., 2009; Wuyts, W. et al., 1998). In one study, it was reported sporadic in 23% of exostases cases, and proved de novo in two of those cases (Jennes, I. et al., 2009). Functional studies show the variant affects protein function (McCormick, C. et al., 1998). In addition, multiple variants in the same codon resulting in alternative amino acid changes have also been reported pathogenic (Wuyts, W. et al. 1998; Jennes, I. et al., 2009). Additional reports suggest that this condition is fully penetrant, and it is believed that variable intrafamilial expressivity explains clinically undiagnosed cases with no or unidentified mild symptoms (Philippe, C. et al. (1997); Santos, S.C.L. et al. (2018)). Based on information available at the time of curation, this variant has been classified as PATHOGENIC.

Clinical Genetics and Genomics, Karolinska University Hospital
Classification: Likely pathogenic. Last evaluated: 2019-02-07. Review status: criteria provided, single submitter. Criteria: ACMG Guidelines, 2015. Collection method: clinical testing. Allele origin: germline. Affected: yes. Observed: 1 variant allele.

Clinical Genetics Service, Universitary Hospital 12 de Octubre
Classification: Pathogenic for Exostoses, multiple, type 1. Review status: criteria provided, single submitter. Criteria: ACMG Guidelines, 2015. Collection method: clinical testing. Allele origin: germline. Affected: yes.

Juno Genomics, Hangzhou Juno Genomics, Inc
Classification: Pathogenic for Exostoses, multiple, type 1. Review status: criteria provided, single submitter. Criteria: ACMG Guidelines, 2015. Collection method: clinical testing. Allele origin: germline. Affected: yes.
Comment: Absent from controls (or at extremely low frequency if recessive) in Genome Aggregation Database.;Well-established in vitro or in vivo functional studies supportive of a damaging effect on the gene or gene product.;Novel missense change at an amino acid residue where a different missense change determined to be pathogenic has been seen before.;The prevalence of the variant in affected individuals is significantly increased compared to the prevalence in controls.;Assumed de novo, but without confirmation of paternity and maternity.;Patient's phenotype or family history is highly specific for a disease with a single genetic etiology.

PreventionGenetics, part of Exact Sciences
Classification: Pathogenic for EXT1-related condition. Last evaluated: 2024-03-23. Review status: no assertion criteria provided. Collection method: clinical testing. Allele origin: germline. Not counted in ClinVar's aggregate classification.
Comment: The EXT1 c.1018C>T variant is predicted to result in the amino acid substitution p.Arg340Cys. This variant has been reported to be causative for hereditary multiple osteochondromas, and in at least one instance was found to be de novo (see, for example, Philippe et al. 1997. PubMed ID: 9326317; Francannet et al. 2001. PubMed ID: 11432960; Stranneheim et al. 2021. PubMed ID: 33726816). An in vitro functional study demonstrates that expression of this variant disrupts EXT1 function (McCormick et al. 1998. PubMed ID: 9620772). This variant is not present in a large population database, indicating this variant is rare. The p.Arg340 codon is a hotspot for EXT1 pathogenic variants (Jennes et al. 2009. PubMed ID: 19810120; Fusco et al. 2019. PubMed ID: 30806661). This variant has been consistently interpreted as pathogenic and likely pathogenic in the ClinVar database. Taken together, this variant is interpreted as pathogenic.

OMIM
Classification: Pathogenic for EXOSTOSES, MULTIPLE, TYPE I. Last evaluated: 1998-06-01. Review status: no assertion criteria provided. Collection method: literature only. Allele origin: germline. Not counted in ClinVar's aggregate classification.

Literature cited by the submitters: PubMed 9326317 (cited by 4 submitters); PubMed 11432960 (cited by Labcorp Genetics (formerly Invitae), Labcorp and Ambry Genetics); PubMed 16283885 (cited by Labcorp Genetics (formerly Invitae), Labcorp); PubMed 20418910 (cited by Labcorp Genetics (formerly Invitae), Labcorp); PubMed 22258776 (cited by Labcorp Genetics (formerly Invitae), Labcorp); PubMed 25230886 (cited by Labcorp Genetics (formerly Invitae), Labcorp); PubMed 9620772 (cited by 3 submitters); PubMed 10639137 (cited by Labcorp Genetics (formerly Invitae), Labcorp); PubMed 10679296 (cited by Labcorp Genetics (formerly Invitae), Labcorp); PubMed 8981950 (cited by Labcorp Genetics (formerly Invitae), Labcorp and Ambry Genetics); PubMed 9521425 (cited by Labcorp Genetics (formerly Invitae), Labcorp and Ambry Genetics); PubMed 11391482 (cited by Labcorp Genetics (formerly Invitae), Labcorp); PubMed 18165274 (cited by Labcorp Genetics (formerly Invitae), Labcorp); PubMed 18330718 (cited by Labcorp Genetics (formerly Invitae), Labcorp); PubMed 19810120 (cited by 3 submitters); PubMed 26239617 (cited by Labcorp Genetics (formerly Invitae), Labcorp); PubMed 26961984 (cited by Labcorp Genetics (formerly Invitae), Labcorp); PubMed 9463333 (cited by Ambry Genetics and Victorian Clinical Genetics Services, Murdoch Childrens Research Institute); PubMed 23262345 (cited by Ambry Genetics); PubMed 29529714 (cited by Victorian Clinical Genetics Services, Murdoch Childrens Research Institute); PubMed 30806661 (cited by Victorian Clinical Genetics Services, Murdoch Childrens Research Institute).